The following is an entry in ClinVar:

ClinVar aggregate classification (germline): Uncertain significance. Review status: criteria provided, multiple submitters, no conflicts (2 of 4 stars). 4 submissions from 4 submitters: Uncertain significance (4). Last evaluated 2026-07-15.

Conditions:
SQSTM1-related disorder. Also called: SQSTM1-Related Disorders.
Frontotemporal dementia and/or amyotrophic lateral sclerosis 1 (FTDALS1). Also called: Frontotemporal dementia with motor neuron disease 1; C9orf72 Frontotemporal Dementia and/or Amyotrophic Lateral Sclerosis. Identifiers: Orphanet 275872, MedGen C5779877, MONDO:0007105, OMIM 105550.
Paget disease of bone 2, early-onset (PDB2). Also called: Paget disease of bone 2. Identifiers: MedGen C4085251, MONDO:0011183, OMIM 602080.
Paget disease of bone 3. Identifiers: MedGen C4085252, MONDO:0008176, OMIM 167250.

Allele frequency attached by ClinVar (database versions not stated): ExAC 0.00001; gnomAD exomes 0.00002 and 0.00004; gnomAD 0.00003; TOPMed 0.00003.
gnomAD v4.1: 58 of 1,613,986 alleles (0.0036%); highest among the groups gnomAD compares: Non-Finnish European, 0.0047%; no homozygotes.

Submissions (4):

PreventionGenetics, part of Exact Sciences
Classification: Uncertain significance for SQSTM1-related condition. Last evaluated: 2026-07-15. Review status: criteria provided, single submitter. Criteria: ACMG Guidelines, 2015. Collection method: clinical testing. Allele origin: germline.
Comment: The SQSTM1 c.1166-5G>A variant is predicted to interfere with splicing. This variant is predicted to alter splicing based on available splicing prediction programs (SpliceAI, Jaganathan et al. 2019. PubMed ID: 30661751). However, the use of computer prediction programs is not equivalent to functional evidence. This variant has been identified in a cohort study of individuals with definite or probable amyotrophic lateral sclerosis (Supplementary Table 1, Hu et al. 2024. PubMed ID: 37952009). This variant is reported in 0.0039% of alleles in individuals of European (Non-Finnish) descent in gnomAD. At this time, the clinical significance of this variant is uncertain due to the absence of conclusive functional and genetic evidence.

Labcorp Genetics (formerly Invitae), Labcorp
Classification: Uncertain significance for Paget disease of bone 2, early-onset; Frontotemporal dementia and/or amyotrophic lateral sclerosis 1. Last evaluated: 2025-10-08. Review status: criteria provided, single submitter. Criteria: Invitae Variant Classification Sherloc (09022015). Collection method: clinical testing. Allele origin: germline.
Comment: This sequence change falls in intron 7 of the SQSTM1 gene. It does not directly change the encoded amino acid sequence of the SQSTM1 protein. This variant is present in population databases (rs765613974, gnomAD 0.004%). This variant has been observed in individual(s) with clinical features of SQSTM1-related conditions (PMID: 37952009). ClinVar contains an entry for this variant (Variation ID: 578482). Algorithms developed to predict the effect of sequence changes on RNA splicing suggest that this variant may create or strengthen a splice site. In summary, the available evidence is currently insufficient to determine the role of this variant in disease. Therefore, it has been classified as a Variant of Uncertain Significance.

Blueprint Genetics
Classification: Uncertain significance. Last evaluated: 2024-11-08. Review status: criteria provided, single submitter. Criteria: ACMG Guidelines, 2015. Collection method: clinical testing. Allele origin: germline.

Illumina Laboratory Services, Illumina
Classification: Uncertain significance for Paget disease of bone 3. Last evaluated: 2018-01-12. Review status: criteria provided, single submitter. Criteria: ICSL Variant Classification Criteria 13 December 2019. Collection method: clinical testing. Allele origin: germline.

Literature cited by the submitters: PubMed 37952009 (cited by Labcorp Genetics (formerly Invitae), Labcorp).

NM_003900.5(SQSTM1):c.1166-5G>A

Gene: SQSTM1 (sequestosome 1; plus strand). Cytogenetic location: 5q35.3.
Variant type: single nucleotide variant.
Coding change: c.1166-5G>A on transcript NM_003900.5 (MANE Select); 5 bases into the intron before coding-DNA position 1166, G replaced by A.
Molecular consequence: intron variant.
Genome position (GRCh38, 1-based): chr5:179,836,431, G>A. VCF-style: chr5-179836431-G-A. GRCh37 (hg19) VCF-style: chr5-179263431-G-A.
Other names: c.914-5G>A (NM_001142298.2, NM_001142299.2).
Identifiers: ClinVar variation 578482 (VCV000578482.13), dbSNP rs765613974, ClinGen allele CA3600847.